The following is an entry in ClinVar:

ClinVar aggregate classification (germline): Uncertain significance. Review status: criteria provided, multiple submitters, no conflicts (2 of 4 stars). 4 submissions from 4 submitters: Uncertain significance (4). Last evaluated 2025-07-21.

Conditions:
TGFB1-related disorder. Also called: TGFB1-related condition.
Cystic fibrosis (CF). Also called: MUCOVISCIDOSIS. Identifiers: Orphanet 586, MedGen C0010674, MONDO:0009061, OMIM 219700. Disease mechanism: loss of function.
Inflammatory bowel disease, immunodeficiency, and encephalopathy. Identifiers: Orphanet 565788, MedGen C4748708, MONDO:0032601, OMIM 618213.
Diaphyseal dysplasia. Also called: ENGELMANN DISEASE; PROGRESSIVE DIAPHYSEAL DYSPLASIA; Camurati-Engelmann Disease. Identifiers: Orphanet 1328, MedGen C0011989, MONDO:0007542, HP:0100252.
Inborn genetic diseases. Identifiers: MedGen C0950123, MeSH D030342.

Allele frequency attached by ClinVar (database versions not stated): gnomAD exomes 0.00002.
gnomAD v4.1: 42 of 1,613,998 alleles (0.0026%); highest among the groups gnomAD compares: Admixed American, 0.0033%; no homozygotes.

Submissions (4):

Labcorp Genetics (formerly Invitae), Labcorp
Classification: Uncertain significance. Last evaluated: 2025-07-21. Review status: criteria provided, single submitter. Criteria: Invitae Variant Classification Sherloc (09022015). Collection method: clinical testing. Allele origin: germline.
Comment: This sequence change replaces threonine, which is neutral and polar, with proline, which is neutral and non-polar, at codon 240 of the TGFB1 protein (p.Thr240Pro). This variant is present in population databases (rs148552731, gnomAD 0.004%). This variant has not been reported in the literature in individuals affected with TGFB1-related conditions. ClinVar contains an entry for this variant (Variation ID: 1389042). Invitae Evidence Modeling of protein sequence and biophysical properties (such as structural, functional, and spatial information, amino acid conservation, physicochemical variation, residue mobility, and thermodynamic stability) indicates that this missense variant is not expected to disrupt TGFB1 protein function with a negative predictive value of 80%. In summary, the available evidence is currently insufficient to determine the role of this variant in disease. Therefore, it has been classified as a Variant of Uncertain Significance.

Fulgent Genetics
Classification: Uncertain significance for Camurati-Engelmann disease type 1; Cystic fibrosis; Inflammatory bowel disease, immunodeficiency, and encephalopathy. Last evaluated: 2023-12-29. Review status: criteria provided, single submitter. Criteria: ACMG Guidelines, 2015. Collection method: clinical testing. Allele origin: germline.

PreventionGenetics, part of Exact Sciences
Classification: Uncertain significance for TGFB1-related condition. Last evaluated: 2022-12-08. Review status: criteria provided, single submitter. Criteria: ACMG Guidelines, 2015. Collection method: clinical testing. Allele origin: germline.
Comment: The TGFB1 c.718A>C variant is predicted to result in the amino acid substitution p.Thr240Pro. To our knowledge, this variant has not been reported in the literature. This variant is reported in 0.0056% of alleles in individuals of Latino descent in gnomAD. At this time, the clinical significance of this variant is uncertain due to the absence of conclusive functional and genetic evidence.

Ambry Genetics
Classification: Uncertain significance for Inborn genetic diseases. Last evaluated: 2021-09-28. Review status: criteria provided, single submitter. Criteria: Ambry Variant Classification Scheme 2023. Collection method: clinical testing. Allele origin: germline.

NM_000660.7(TGFB1):c.718A>C (p.Thr240Pro)

Gene: TGFB1 (transforming growth factor beta 1; minus strand). Cytogenetic location: 19q13.2.
Variant type: single nucleotide variant.
Coding change: c.718A>C on transcript NM_000660.7 (MANE Select); coding-DNA position 718, A replaced by C.
Protein change: p.Thr240Pro; replaces threonine 240 with proline.
Molecular consequence: missense variant.
Genome position (GRCh38, 1-based): chr19:41,342,025, T>G on the plus strand (A>C on the coding strand, the complement: TGFB1 is on the minus strand). VCF-style: chr19-41342025-T-G. GRCh37 (hg19) VCF-style: chr19-41847930-T-G.
Other names: c.718A>C (NM_000660.6, NM_000660.4); short protein forms T240P.
Identifiers: ClinVar variation 1389042 (VCV001389042.10), dbSNP rs148552731, ClinGen allele CA9460002.